The following is an entry in ClinVar:

NM_014425.5(INVS):c.2143A>G (p.Arg715Gly)

Gene: INVS (inversin; plus strand). Cytogenetic location: 9q31.1.
Variant type: single nucleotide variant.
Coding change: c.2143A>G on transcript NM_014425.5 (MANE Select); coding-DNA position 2143, A replaced by G.
Protein change: p.Arg715Gly; replaces arginine 715 with glycine.
Molecular consequence: missense variant. On other transcripts: non-coding transcript variant (1).
Genome position (GRCh38, 1-based): chr9:100,292,400, A>G. VCF-style: chr9-100292400-A-G. GRCh37 (hg19) VCF-style: chr9-103054682-A-G.
Other names: c.1855A>G, p.Arg619Gly (NM_001318381.2); c.1165A>G, p.Arg389Gly (NM_001318382.2); c.2143A>G (NM_014425.2); short protein forms R389G, R619G, R715G.
Identifiers: ClinVar variation 1063055 (VCV001063055.8), dbSNP rs766691188, ClinGen allele CA5158570.

ClinVar aggregate classification (germline): Uncertain significance. Review status: criteria provided, multiple submitters, no conflicts (2 of 4 stars). 2 submissions from 2 submitters: Uncertain significance (2). Last evaluated 2024-08-26.

Conditions:
Inborn genetic diseases. Identifiers: MedGen C0950123, MeSH D030342.
Nephronophthisis. Also called: Juvenile Nephronophthisis. Identifiers: Orphanet 655, MedGen C0687120, MONDO:0019005, HP:0000090.

Allele frequency attached by ClinVar (database versions not stated): gnomAD exomes below 0.00001; TOPMed below 0.00001; ExAC 0.00001.
gnomAD v4.1: 1 of 1,614,200 alleles (0.000062%); highest among the groups gnomAD compares: Admixed American, 0.0017%; no homozygotes.

Submissions (2):

Ambry Genetics
Classification: Uncertain significance for Inborn genetic diseases. Last evaluated: 2024-08-26. Review status: criteria provided, single submitter. Criteria: Ambry Variant Classification Scheme 2023. Collection method: clinical testing. Allele origin: germline.

Labcorp Genetics (formerly Invitae), Labcorp
Classification: Uncertain significance for Nephronophthisis. Last evaluated: 2024-08-15. Review status: criteria provided, single submitter. Criteria: Invitae Variant Classification Sherloc (09022015). Collection method: clinical testing. Allele origin: germline.
Comment: This sequence change replaces arginine, which is basic and polar, with glycine, which is neutral and non-polar, at codon 715 of the INVS protein (p.Arg715Gly). This variant is present in population databases (rs766691188, gnomAD 0.003%). This variant has not been reported in the literature in individuals affected with INVS-related conditions. ClinVar contains an entry for this variant (Variation ID: 1063055). An algorithm developed to predict the effect of missense changes on protein structure and function outputs the following: PolyPhen-2: "Benign". The glycine amino acid residue is found in multiple mammalian species, which suggests that this missense change does not adversely affect protein function. In summary, the available evidence is currently insufficient to determine the role of this variant in disease. Therefore, it has been classified as a Variant of Uncertain Significance.